The following is an entry in ClinVar:

NM_000718.4(CACNA1B):c.390+1_390+2insACGACACGGAGCCCTATTTCATCGGGATCTTTTGCTTCGAGGCAGGGATCAAAATCATCGCTCTGGGCTTTGTCT

Genes: CACNA1B (calcium voltage-gated channel subunit alpha1 B; plus strand), CACNA1B-AS2 (CACNA1B antisense RNA 2; minus strand). Cytogenetic location: 9q34.3.
Variant type: Insertion.
Coding change: c.390+1_390+2insACGACACGGAGCCCTATTTCATCGGGATCTTTTGCTTCGAGGCAGGGATCAAAATCATCGCTCTGGGCTTTGTCT on transcript NM_000718.4 (MANE Select); the canonical splice donor site of the intron after coding-DNA position 390, ACGACACGGAGCCCTATTTCATCGGGATCTTTTGCTTCGAGGCAGGGATCAAAATCATCGCTCTGGGCTTTGTCT inserted.
Molecular consequence: splice donor variant.
Genome position: GRCh38: chr9:137,879,160-137,879,161. GRCh37 (hg19): chr9:140,773,612-140,773,613.
Other names: c.390+1_390+2insACGACACGGAGCCCTATTTCATCGGGATCTTTTGCTTCGAGGCAGGGATCAAAATCATCGCTCTGGGCTTTGTCT (NM_001243812.2).
Identifiers: ClinVar variation 2037465 (VCV002037465.1), dbSNP rs370237172, ClinGen allele CA2580081013.

ClinVar aggregate classification (germline): Uncertain significance (1 of 4 stars; one submission).

Submission:

Labcorp Genetics (formerly Invitae), Labcorp
Classification: Uncertain significance. Last evaluated: 2022-06-28. Review status: criteria provided, single submitter. Criteria: Invitae Variant Classification Sherloc (09022015). Collection method: clinical testing. Allele origin: germline.
Comment: This sequence change falls in intron 2 of the CACNA1B gene. It does not directly change the encoded amino acid sequence of the CACNA1B protein. It affects a nucleotide within the consensus splice site. This variant is not present in population databases (gnomAD no frequency). This variant has not been reported in the literature in individuals affected with CACNA1B-related conditions. Variants that disrupt the consensus splice site are a relatively common cause of aberrant splicing (PMID: 17576681, 9536098). Algorithms developed to predict the effect of sequence changes on RNA splicing suggest that this variant may disrupt the consensus splice site. In summary, the available evidence is currently insufficient to determine the role of this variant in disease. Therefore, it has been classified as a Variant of Uncertain Significance.

Literature cited by the submitters: PubMed 17576681; PubMed 9536098.